The following is an entry in ClinVar:

ClinVar aggregate classification (germline): Uncertain significance. Review status: criteria provided, multiple submitters, no conflicts (2 of 4 stars). 2 submissions from 2 submitters: Uncertain significance (2). Last evaluated 2024-12-06.

Conditions:
Hereditary cancer-predisposing syndrome. Also called: Hereditary neoplastic syndrome; Neoplastic Syndromes, Hereditary; Tumor predisposition; Hereditary Cancer Syndrome. Identifiers: Orphanet 140162, MedGen C0027672, MeSH D009386, MONDO:0015356.
Tuberous sclerosis 2 (TSC2). Identifiers: Orphanet 805, MedGen C1860707, MONDO:0013199, OMIM 613254.

Submissions (2):

Ambry Genetics
Classification: Uncertain significance for Hereditary cancer-predisposing syndrome. Last evaluated: 2024-12-06. Review status: criteria provided, single submitter. Criteria: Ambry Variant Classification Scheme 2023. Collection method: clinical testing. Allele origin: germline.
Comment: The c.4220_4222delTGG variant (also known as p.V1407del) is located in coding exon 33 of the TSC2 gene. This variant results from an in-frame TGG deletion at nucleotide positions 4220 to 4222. This results in the in-frame deletion of a valine at codon 1407. This amino acid position is not well conserved in available vertebrate species. In addition, the in silico prediction for this alteration is inconclusive (Choi Y et al. PLoS ONE. 2012; 7(10):e46688). Based on the available evidence, the clinical significance of this variant remains unclear.

Labcorp Genetics (formerly Invitae), Labcorp
Classification: Uncertain significance for Tuberous sclerosis 2. Last evaluated: 2024-11-18. Review status: criteria provided, single submitter. Criteria: Invitae Variant Classification Sherloc (09022015). Collection method: clinical testing. Allele origin: germline.
Comment: This variant, c.4220_4222del, results in the deletion of 1 amino acid(s) of the TSC2 protein (p.Val1407del), but otherwise preserves the integrity of the reading frame. This variant is present in population databases (no rsID available, gnomAD 0.0009%). This variant has not been reported in the literature in individuals affected with TSC2-related conditions. ClinVar contains an entry for this variant (Variation ID: 468070). Experimental studies and prediction algorithms are not available or were not evaluated, and the functional significance of this variant is currently unknown. In summary, the available evidence is currently insufficient to determine the role of this variant in disease. Therefore, it has been classified as a Variant of Uncertain Significance.

NM_000548.5(TSC2):c.4220_4222del (p.Val1407del)

Gene: TSC2 (TSC complex subunit 2; plus strand). Cytogenetic location: 16p13.3.
Variant type: Deletion.
Coding change: c.4220_4222del on transcript NM_000548.5 (MANE Select); coding-DNA positions 4220 to 4222, 3 bases deleted (TGG; older notation c.4220_4222delTGG).
Protein change: p.Val1407del; deletes valine 1407.
Molecular consequence: inframe deletion.
Genome position (GRCh38, 1-based): chr16:2,084,442-2,084,444, TGG deleted; deleting any 3 consecutive bases within chr16:2,084,441-2,084,444 gives the same sequence; the c. name uses the placement nearest the transcript's 3' end. VCF-style (leftmost placement, unchanged base first): chr16-2084440-CGTG-C. GRCh37 (hg19) VCF-style: chr16-2134441-CGTG-C.
Other names: c.4019_4021del, p.Val1340del (NM_001077183.3); c.4151_4153del, p.Val1384del (NM_001114382.3); c.3911_3913del, p.Val1304del (NM_001318827.2); c.3875_3877del, p.Val1292del (NM_001318829.2); c.3488_3490del, p.Val1163del (NM_001318831.2); c.4052_4054del, p.Val1351del (NM_001318832.2); c.4022_4024del, p.Val1341del (NM_001363528.2); c.4088_4090del, p.Val1363del (NM_001370404.1); and 1 more; short protein forms V1407del, V1304del, V1340del, V1363del, V1364del, V1341del, V1384del, V1163del.
Identifiers: ClinVar variation 468070 (VCV000468070.10), dbSNP rs1264774699, ClinGen allele CA620705036.